The following is an entry in ClinVar:

ClinVar aggregate classification (germline): Likely benign. Review status: criteria provided, multiple submitters, no conflicts (2 of 4 stars). 8 submissions from 8 submitters: Likely benign (6). 2 of the submissions do not count toward it. Last evaluated 2026-08-13.

Conditions:
FLNC-related disorder. Also called: FLNC-related condition; FLNC-related disorders.
Distal myopathy with posterior leg and anterior hand involvement. Also called: WILLIAMS DISTAL MYOPATHY. Identifiers: Orphanet 63273, MedGen C3279722, MONDO:0013550, OMIM 614065.
Hypertrophic cardiomyopathy 26. Also called: Cardiomyopathy, familial hypertrophic, 26. Identifiers: Orphanet 75249, MedGen C4310749, MONDO:0014883, OMIM 617047.
Myofibrillar myopathy 5. Also called: Filaminopathy (type); FILAMINOPATHY, AUTOSOMAL DOMINANT. Identifiers: Orphanet 171445, MedGen C1836050, MONDO:0012289, OMIM 609524.
Cardiovascular phenotype. Identifiers: MedGen CN230736.

Allele frequency attached by ClinVar (database versions not stated): ExAC 0.00002; TOPMed 0.00012; gnomAD 0.00014.
gnomAD v4.1: 66 of 1,612,936 alleles (0.0041%); highest among the groups gnomAD compares: Admixed American, 0.043%; no homozygotes.

Submissions (8):

PreventionGenetics, part of Exact Sciences
Classification: Likely benign for FLNC-related condition. Last evaluated: 2026-08-13. Review status: criteria provided, single submitter. Criteria: ACMG Guidelines, 2015. Collection method: clinical testing. Allele origin: germline.
Comment: This variant is classified as likely benign based on ACMG/AMP sequence variant interpretation guidelines (Richards et al. 2015 PMID: 25741868, with internal and published modifications).

Labcorp Genetics (formerly Invitae), Labcorp
Classification: Likely benign for Distal myopathy with posterior leg and anterior hand involvement; Myofibrillar myopathy 5; Hypertrophic cardiomyopathy 26. Last evaluated: 2026-01-17. Review status: criteria provided, single submitter. Criteria: Invitae Variant Classification Sherloc (09022015). Collection method: clinical testing. Allele origin: germline.

Blueprint Genetics
Classification: Likely benign. Last evaluated: 2024-04-15. Review status: criteria provided, single submitter. Criteria: ACMG Guidelines, 2015. Collection method: clinical testing. Allele origin: germline.

CeGaT Center for Human Genetics Tuebingen
Classification: Likely benign. Last evaluated: 2022-05-01. Review status: criteria provided, single submitter. Criteria: CeGaT Center For Human Genetics Tuebingen Variant Classification Criteria Version 2. Collection method: clinical testing. Allele origin: germline. Affected: yes. Observed: 1 variant allele.
Comment: FLNC: BP4, BP7

GeneDx
Classification: Likely benign. Last evaluated: 2021-08-05. Review status: criteria provided, single submitter. Criteria: GeneDx Variant Classification Process June 2021. Collection method: clinical testing. Allele origin: germline. Affected: yes.
Comment: This variant is associated with the following publications: (PMID: 26582918)

Ambry Genetics
Classification: Likely benign for Cardiovascular phenotype. Last evaluated: 2019-09-06. Review status: criteria provided, single submitter. Criteria: Ambry Variant Classification Scheme 2023. Collection method: clinical testing. Allele origin: germline.

Genome Diagnostics Laboratory, University Medical Center Utrecht
Classification: Likely benign. Review status: no assertion criteria provided. Collection method: clinical testing. Allele origin: germline. Affected: yes. Study: VKGL Data-share Consensus. Not counted in ClinVar's aggregate classification.

Joint Genome Diagnostic Labs from Nijmegen and Maastricht, Radboudumc and MUMC+
Classification: Likely benign. Review status: no assertion criteria provided. Collection method: clinical testing. Allele origin: germline. Affected: yes. Study: VKGL Data-share Consensus. Not counted in ClinVar's aggregate classification.

NM_001458.5(FLNC):c.6594C>T (p.Gly2198=)

Genes: FLNC (filamin C; plus strand), FLNC-AS1 (FLNC antisense RNA 1; minus strand). Cytogenetic location: 7q32.1.
Variant type: single nucleotide variant.
Coding change: c.6594C>T on transcript NM_001458.5 (MANE Select); coding-DNA position 6594, C replaced by T.
Protein change: p.Gly2198=; no amino-acid change (glycine 2198 retained).
Molecular consequence: synonymous variant.
Genome position (GRCh38, 1-based): chr7:128,854,083, C>T. VCF-style: chr7-128854083-C-T. GRCh37 (hg19) VCF-style: chr7-128494137-C-T.
Other names: c.6495C>T, p.Gly2165= (NM_001127487.2).
Identifiers: ClinVar variation 1107257 (VCV001107257.41), dbSNP rs754112206, ClinGen allele CA4476026.
Genomic context (GRCh38, chr7:128,854,083, plus strand): 5'-CACACGCAGCAGCCACACCTACACCCGCACGGAGCGCACGGAGATCAGCAAGACGCGGGG[C>T]GGGGAGACAAAGCGCGAGGTGCGGGTGGAGGAGTCCACCCAGGTCGGCGGGGACCCCTTC-3'
Protein context (NP_001449.3, residues 2188-2208): TERTEISKTR[Gly2198=]GETKREVRVE